The following is an entry in ClinVar:

NM_182916.3(TRNT1):c.608G>A (p.Arg203Lys)

Gene: TRNT1 (tRNA nucleotidyl transferase 1; plus strand). Cytogenetic location: 3p26.2.
Variant type: single nucleotide variant.
Coding change: c.608G>A on transcript NM_182916.3 (MANE Select); coding-DNA position 608, G replaced by A.
Protein change: p.Arg203Lys; replaces arginine 203 with lysine.
Molecular consequence: missense variant. On other transcripts: non-coding transcript variant (8).
Genome position (GRCh38, 1-based): chr3:3,144,710, G>A. VCF-style: chr3-3144710-G-A. GRCh37 (hg19) VCF-style: chr3-3186394-G-A.
Other names: NC_000003.11:g.3186394G>A; c.608G>A, p.Arg203Lys (NM_001302946.2, NM_001367321.1, NM_001367322.1 and 1 more transcripts); short protein forms R203K.
Identifiers: ClinVar variation 931807 (VCV000931807.5), dbSNP rs750995691, ClinGen allele CA2228720.

ClinVar aggregate classification (germline): Conflicting classifications of pathogenicity. Review status: criteria provided, conflicting classifications (1 of 4 stars). 2 submissions from 2 submitters: Likely pathogenic (1); Uncertain significance (1). Last evaluated 2020-01-19.

Conditions:
Congenital sideroblastic anemia-B-cell immunodeficiency-periodic fever-developmental delay syndrome. Also called: Sideroblastic anemia with B-cell immunodeficiency, periodic fevers, and developmental delay. Identifiers: Orphanet 369861, MedGen C4015172, MONDO:0014487, OMIM 616084.

Allele frequency attached by ClinVar (database versions not stated): ExAC 0.00001.
gnomAD v4.1: 3 of 1,525,704 alleles (0.0002%); highest among the groups gnomAD compares: Non-Finnish European, 0.00027%; no homozygotes.

Submissions (3):

Centre for Mendelian Genomics, University Medical Centre Ljubljana
Classification: Likely pathogenic for Congenital sideroblastic anemia-B-cell immunodeficiency-periodic fever-developmental delay syndrome. Last evaluated: 2020-01-19. Review status: criteria provided, single submitter. Criteria: ACMG Guidelines, 2015. Collection method: clinical testing. Allele origin: unknown. Affected: yes.
Comment: This variant was classified as: Likely pathogenic. The following ACMG criteria were applied in classifying this variant: PS1,PM2,PP3.

Blueprint Genetics
Classification: Uncertain significance. Last evaluated: 2018-06-18. Review status: criteria provided, single submitter. Criteria: ACMG Guidelines, 2015. Collection method: clinical testing. Allele origin: germline.

Dr. Peter K. Rogan Lab, Western University
No classification provided (evidence only). Condition: Clear cell carcinoma of kidney. Review status: no classification provided. Collection method: in vitro. Allele origin: not applicable. Functional consequence: skipped exon, retained intron. Not counted in ClinVar's aggregate classification.